The following is an entry in ClinVar:

NM_001414.4(EIF2B1):c.353dup (p.Ile119fs)

Gene: EIF2B1 (eukaryotic translation initiation factor 2B subunit alpha; minus strand). Cytogenetic location: 12q24.31.
Variant type: Duplication.
Coding change: c.353dup on transcript NM_001414.4 (MANE Select); coding-DNA position 353, one base duplicated (T; older notation c.353dupT).
Protein change: p.Ile119fs; shifts the reading frame from isoleucine 119.
Molecular consequence: frameshift variant.
Genome position (GRCh38, 1-based): chr12:123,630,185, A duplicated on the plus strand (T on the coding strand, the reverse complement: EIF2B1 is on the minus strand); the first of 3 consecutive A bases (chr12:123,630,185-123,630,187); duplicating any one gives the same sequence. VCF-style (leftmost placement, unchanged base first): chr12-123630184-G-GA. GRCh37 (hg19) VCF-style: chr12-124114731-G-GA.
Other names: c.353dupT (NM_001414.4); short protein forms I119fs.
Identifiers: ClinVar variation 4848543 (VCV004848543.1).

ClinVar aggregate classification (germline): Pathogenic (1 of 4 stars; one submission).

Conditions:
Vanishing white matter disease. Also called: CACH syndrome; Childhood ataxia with diffuse central nervous system hypomyelination; Leukoencephalopathy with vanishing white matter; CACH/VWM syndrome; Cree leukoencehalopathy. Identifiers: Orphanet 135, Orphanet 99853, MedGen C1858991, MONDO:0800448.

Submission:

Women's Health and Genetics/Laboratory Corporation of America, LabCorp
Classification: Pathogenic for Vanishing white matter disease. Last evaluated: 2026-04-29. Review status: criteria provided, single submitter. Criteria: LabCorp Variant Classification Summary - May 2015. Collection method: clinical testing. Allele origin: germline.
Comment: Variant summary: EIF2B1 c.353dupT (p.Ile119HisfsX31) results in a premature termination codon, predicted to cause a truncation of the encoded protein or absence of the protein due to nonsense mediated decay, which are commonly known mechanisms for disease. The variant was absent in 250474 control chromosomes. To our knowledge, no occurrence of c.353dupT in individuals affected with EIF2B1-related conditions and no experimental evidence demonstrating its impact on protein function have been reported. No submitters have cited clinical-significance assessments for this variant to ClinVar. Based on the evidence outlined above, the variant was classified as pathogenic.